The following is an entry in ClinVar:

ClinVar aggregate classification (germline): Uncertain significance. Review status: criteria provided, multiple submitters, no conflicts (2 of 4 stars). 2 submissions from 2 submitters: Uncertain significance (2). Last evaluated 2025-09-09.

Conditions:
Inborn genetic diseases. Identifiers: MedGen C0950123, MeSH D030342.

gnomAD v4.1: 21 of 1,614,122 alleles (0.0013%); highest among the groups gnomAD compares: Non-Finnish European, 0.0018%; no homozygotes.

Submissions (2):

Labcorp Genetics (formerly Invitae), Labcorp
Classification: Uncertain significance. Last evaluated: 2025-09-09. Review status: criteria provided, single submitter. Criteria: Invitae Variant Classification Sherloc (09022015). Collection method: clinical testing. Allele origin: germline.
Comment: This sequence change replaces valine, which is neutral and non-polar, with alanine, which is neutral and non-polar, at codon 538 of the ATP6V1A protein (p.Val538Ala). This variant is not present in population databases (gnomAD no frequency). This variant has not been reported in the literature in individuals affected with ATP6V1A-related conditions. ClinVar contains an entry for this variant (Variation ID: 3973251). Invitae Evidence Modeling of protein sequence and biophysical properties (such as structural, functional, and spatial information, amino acid conservation, physicochemical variation, residue mobility, and thermodynamic stability) indicates that this missense variant is not expected to disrupt ATP6V1A protein function with a negative predictive value of 80%. In summary, the available evidence is currently insufficient to determine the role of this variant in disease. Therefore, it has been classified as a Variant of Uncertain Significance.

Ambry Genetics
Classification: Uncertain significance for Inborn genetic diseases. Last evaluated: 2025-04-25. Review status: criteria provided, single submitter. Criteria: Ambry Variant Classification Scheme 2023. Collection method: clinical testing. Allele origin: germline.

NM_001690.4(ATP6V1A):c.1613T>C (p.Val538Ala)

Gene: ATP6V1A (ATPase H+ transporting V1 subunit A; plus strand). Cytogenetic location: 3q13.31.
Variant type: single nucleotide variant.
Coding change: c.1613T>C on transcript NM_001690.4 (MANE Select); coding-DNA position 1613, T replaced by C.
Protein change: p.Val538Ala; replaces valine 538 with alanine.
Molecular consequence: missense variant.
Genome position (GRCh38, 1-based): chr3:113,805,377, T>C. VCF-style: chr3-113805377-T-C. GRCh37 (hg19) VCF-style: chr3-113524224-T-C.
Other names: short protein forms V538A.
Identifiers: ClinVar variation 3973251 (VCV003973251.2).